The following is an entry in ClinVar:

ClinVar aggregate classification (germline): Conflicting classifications of pathogenicity. Review status: criteria provided, conflicting classifications (1 of 4 stars). 5 submissions from 5 submitters: Uncertain significance (4); Benign (1). Last evaluated 2026-01-05.

Conditions:
Elliptocytosis 2 (EL2). Also called: ELLIPTOCYTOSIS, RHESUS-UNLINKED TYPE. Identifiers: Orphanet 288, MedGen C1851741, MONDO:0007533, OMIM 130600.

Allele frequency attached by ClinVar (database versions not stated): ESP Exome Variant Server 0.00008; 1000 Genomes Project 30x 0.00016; ExAC 0.00016; gnomAD 0.00018; gnomAD exomes 0.00018 and 0.00022; TOPMed 0.00019.
gnomAD v4.1: 342 of 1,614,042 alleles (0.021%); highest among the groups gnomAD compares: Admixed American, 0.032%; no homozygotes.

Submissions (5):

Labcorp Genetics (formerly Invitae), Labcorp
Classification: Benign. Last evaluated: 2026-01-05. Review status: criteria provided, single submitter. Criteria: Invitae Variant Classification Sherloc (09022015). Collection method: clinical testing. Allele origin: germline.

Revvity Omics, Revvity
Classification: Uncertain significance. Last evaluated: 2024-04-01. Review status: criteria provided, single submitter. Criteria: ACMG Guidelines, 2015. Collection method: clinical testing. Allele origin: germline.

ARUP Laboratories, Molecular Genetics and Genomics, ARUP Laboratories
Classification: Uncertain significance. Last evaluated: 2021-03-23. Review status: criteria provided, single submitter. Criteria: ARUP Molecular Germline Variant Investigation Process 2021. Collection method: clinical testing. Allele origin: germline.

GeneDx
Classification: Uncertain significance. Last evaluated: 2017-01-20. Review status: criteria provided, single submitter. Criteria: GeneDx Variant Classification (06012015). Collection method: clinical testing. Allele origin: germline. Affected: yes.
Comment: The R1694H variant in the SPTA1 gene has not been reported previously as a pathogenic variant, nor as a benign variant, to our knowledge. The R1694H variant was not observed at any significant frequency in approximately 6,000 individuals of European and African American ancestry in the NHLBI Exome Sequencing Project, indicating it is not a common benign variant in these populations. The R1694H variant is a conservative amino acid substitution, which is not likely to impact secondary protein structure as these residues share similar properties. This substitution occurs at a position that is conserved across species. In silico analysis predicts this variant is probably damaging to the protein structure/function. We interpret R1694H as a variant of uncertain significance.

Neuberg Centre For Genomic Medicine, NCGM
Classification: Uncertain significance for Elliptocytosis 2. Review status: criteria provided, single submitter. Criteria: ACMG Guidelines, 2015. Collection method: clinical testing. Allele origin: germline. Inheritance: Autosomal dominant inheritance. Affected: yes.
Comment: The missense variant p.R1694H in SPTA1 (NM_003126.4) has not been reported previously as a pathogenic variant nor as a benign variant, to our knowledge.The missense variant c.5081G>A (p.R1694H) in SPTA1 (NM_003126.4) is observed in 13/34442 (0.0377%) alleles from individuals of Latino background in the gnomAD dataset (Exome Aggregation Consortium et al., 2016), but was not seen in the homozygous state. The p.R1694H missense variant is predicted to be damaging by both SIFT and PolyPhen2. The arginine residue at codon 1694 of SPTA1 is conserved in all mammalian species. The nucleotide c.5081 in SPTA1 is predicted conserved by GERP++ and PhyloP across 100 vertebrates. For these reasons, this variant has been classified as Uncertain Significance.

NM_003126.4(SPTA1):c.5081G>A (p.Arg1694His)

Gene: SPTA1 (spectrin alpha, erythrocytic 1; minus strand). Cytogenetic location: 1q23.1.
Variant type: single nucleotide variant.
Coding change: c.5081G>A on transcript NM_003126.4 (MANE Select); coding-DNA position 5081, G replaced by A.
Protein change: p.Arg1694His; replaces arginine 1694 with histidine.
Molecular consequence: missense variant.
Genome position (GRCh38, 1-based): chr1:158,638,141, C>T on the plus strand (G>A on the coding strand, the complement: SPTA1 is on the minus strand). VCF-style: chr1-158638141-C-T. GRCh37 (hg19) VCF-style: chr1-158607931-C-T.
Other names: short protein forms R1694H.
Identifiers: ClinVar variation 393152 (VCV000393152.13), dbSNP rs201822255, ClinGen allele CA1182431.